The following is an entry in ClinVar:

NM_000360.4(TH):c.432_433insTATAAGAGACAGT (p.Leu145fs)

Gene: TH (tyrosine hydroxylase; minus strand). Cytogenetic location: 11p15.5.
Variant type: Insertion.
Coding change: c.432_433insTATAAGAGACAGT on transcript NM_000360.4 (MANE Select); coding-DNA positions 432 to 433, TATAAGAGACAGT inserted.
Protein change: p.Leu145fs; shifts the reading frame from leucine 145.
Molecular consequence: frameshift variant.
Genome position: GRCh38 VCF-style: chr11-2168545-G-GACTGTCTCTTATA. GRCh37 (hg19) VCF-style: chr11-2189775-G-GACTGTCTCTTATA.
Other names: c.444_445insTATAAGAGACAGT, p.Leu149fs (NM_001440535.1, NM_001440536.1); c.432_433insTATAAGAGACAGT, p.Leu145fs (NM_001440537.1); c.525_526insTATAAGAGACAGT, p.Leu176fs (NM_199292.3); c.513_514insTATAAGAGACAGT, p.Leu172fs (NM_199293.3); short protein forms L145fs, L149fs, L172fs, L176fs.
Identifiers: ClinVar variation 5011655 (VCV005011655.1).

ClinVar aggregate classification (germline): Pathogenic (1 of 4 stars; one submission).

Conditions:
TH-deficient dopa-responsive dystonia. Also called: Segawa syndrome, autosomal recessive; Tyrosine Hydroxylase-Deficient Dopa-Responsive Dystonia; DYT-TH. Identifiers: Orphanet 101150, MedGen C2673535, MONDO:0011551, OMIM 605407.

Submission:

Myriad Genetics, Inc.
Classification: Pathogenic for TH-deficient dopa-responsive dystonia. Last evaluated: 2023-09-12. Review status: criteria provided, single submitter. Criteria: Myriad Autosomal Dominant, Autosomal Recessive and X-Linked Classification Criteria (2023). Collection method: clinical testing. Allele origin: unknown.
Comment: NM_199292.2(TH):c.525_526ins13(L176Yfs*46) is expected to be pathogenic in the context of tyrosine hydroxylase deficiency. This variant is predicted to lead to an abnormal or absent protein product due to the creation of a premature termination codon in TH, a gene where loss-of-function variants are known to be pathogenic. Please note: this variant was assessed in the context of healthy population screening.